The following is an entry in ClinVar:

ClinVar aggregate classification (germline): Uncertain significance (1 of 4 stars; one submission).

Conditions:
Chromosome 2q32-q33 deletion syndrome (GLASS). Also called: Glass syndrome; 2q33.1 deletion syndrome. Identifiers: Orphanet 251019, MedGen C2676739, MONDO:0012864, OMIM 612313.

Submission:

Juno Genomics, Hangzhou Juno Genomics, Inc
Classification: Uncertain significance for Chromosome 2q32-q33 deletion syndrome. Review status: criteria provided, single submitter. Criteria: ACMG Guidelines, 2015. Collection method: clinical testing. Allele origin: germline.
Comment: Missense variant in a gene that has a low rate of benign missense variation.;Multiple lines of computational evidence support a deleterious effect on the gene or gene product.;Absent from controls (or at extremely low frequency if recessive) in Genome Aggregation Database.

NM_001172509.2(SATB2):c.584G>A (p.Cys195Tyr)

Gene: SATB2 (SATB homeobox 2; minus strand). Cytogenetic location: 2q33.1.
Variant type: single nucleotide variant.
Coding change: c.584G>A on transcript NM_001172509.2 (MANE Select); coding-DNA position 584, G replaced by A.
Protein change: p.Cys195Tyr; replaces cysteine 195 with tyrosine.
Molecular consequence: missense variant.
Genome position (GRCh38, 1-based): chr2:199,380,377, C>T on the plus strand (G>A on the coding strand, the complement: SATB2 is on the minus strand). VCF-style: chr2-199380377-C-T. GRCh37 (hg19) VCF-style: chr2-200245100-C-T.
Other names: c.584G>A, p.Cys195Tyr (NM_001172517.1, NM_015265.4); short protein forms C195Y.
Identifiers: ClinVar variation 5006190 (VCV005006190.2).